The following is an entry in ClinVar:

ClinVar aggregate classification (germline): Uncertain significance (1 of 4 stars; one submission).

Conditions:
Hereditary cancer-predisposing syndrome. Also called: Hereditary Cancer Syndrome; Hereditary neoplastic syndrome; Neoplastic Syndromes, Hereditary; Tumor predisposition. Identifiers: Orphanet 140162, MedGen C0027672, MeSH D009386, MONDO:0015356.

Submission:

Ambry Genetics
Classification: Uncertain significance for Hereditary cancer-predisposing syndrome. Last evaluated: 2022-04-19. Review status: criteria provided, single submitter. Criteria: Ambry Variant Classification Scheme 2023. Collection method: clinical testing. Allele origin: germline.
Comment: The p.F475L variant (also known as c.1425T>A), located in coding exon 9 of the MSH3 gene, results from a T to A substitution at nucleotide position 1425. The phenylalanine at codon 475 is replaced by leucine, an amino acid with highly similar properties. This amino acid position is conserved. In addition, the in silico prediction for this alteration is inconclusive. Since supporting evidence is limited at this time, the clinical significance of this alteration remains unclear.

NM_002439.5(MSH3):c.1425T>A (p.Phe475Leu)

Gene: MSH3 (mutS homolog 3; plus strand). Cytogenetic location: 5q14.1.
Variant type: single nucleotide variant.
Coding change: c.1425T>A on transcript NM_002439.5 (MANE Select); coding-DNA position 1425, T replaced by A.
Protein change: p.Phe475Leu; replaces phenylalanine 475 with leucine.
Molecular consequence: missense variant.
Genome position (GRCh38, 1-based): chr5:80,725,537, T>A. VCF-style: chr5-80725537-T-A. GRCh37 (hg19) VCF-style: chr5-80021356-T-A.
Other names: short protein forms F475L.
Identifiers: ClinVar variation 1772368 (VCV001772368.3), dbSNP rs1222069239, ClinGen allele CA360273656.
Genomic context (GRCh38, chr5:80,725,537, plus strand): 5'-CGAAAGGATGGATAACATTTATTTTGAATACAGCCATGCTTTCCAGGCAGTTACAGAGTT[T>A]TATGCAAAAGATACAGTTGACATCAAAGGTAAATATTTTCCCTGTATGTCCTCAAGTTGA-3'
Protein context (NP_002430.3, residues 465-485): YSHAFQAVTE[Phe475Leu]YAKDTVDIKG